The following is an entry in ClinVar:

ClinVar aggregate classification (germline): Uncertain significance (0 of 4 stars; one submission).

Conditions:
Focal segmental glomerulosclerosis and neurodevelopmental syndrome. Identifiers: MedGen C5561938, MONDO:0100111, OMIM 619428.

Submission:

Medical Genetics Clinic, University of Catania
Classification: Uncertain significance for Focal segmental glomerulosclerosis and neurodevelopmental syndrome. Last evaluated: 2024-11-29. Review status: no assertion criteria provided. Collection method: clinical testing. Allele origin: de novo. Inheritance: Autosomal dominant inheritance. Affected: yes. Observed: 1 heterozygote.
Comment: Truncating variants located on the last exon of the TRIM8 gene (MIM:606125) are associated with Focal segmental glomerulosclerosis and neurodevelopmental syndrome (FSGSNEDS) (MIM:619428) with autosomal dominant transmission (Am. J. Hum. Genet. 108: 357-367, 2021) with probable gain of function or dominant negative mechanism. Warren et al. (2020). Moreover Weng et al. (2021) reported 11 unrelated patients with FSGSNEDS and global developmental delay apparent from infancy or early childhood. Other features included hypotonia, delayed walking, and poor or absent speech.

Literature cited by the submitters: DOI 10.1016/j.ajhg.2021.01.008; DOI 10.1111/ahg.12157; DOI 10.1002/ajmg.a.40357; DOI 10.1016/j.ejmg.2020.103972; DOI 10.1007/s00467-020-04525-3.

NM_030912.3(TRIM8):c.475G>A (p.Glu159Lys)

Gene: TRIM8 (tripartite motif containing 8; plus strand). Cytogenetic location: 10q24.32.
Variant type: single nucleotide variant.
Coding change: c.475G>A on transcript NM_030912.3 (MANE Select); coding-DNA position 475, G replaced by A.
Protein change: p.Glu159Lys; replaces glutamic acid 159 with lysine.
Molecular consequence: missense variant. On other transcripts: non-coding transcript variant (1).
Genome position (GRCh38, 1-based): chr10:102,645,092, G>A. VCF-style: chr10-102645092-G-A. GRCh37 (hg19) VCF-style: chr10-104404849-G-A.
Other names: Glu159Lys; c.475G>A, p.Glu159Lys (NM_001345950.1); short protein forms E159K.
Identifiers: ClinVar variation 3602076 (VCV003602076.2).